The following is an entry in ClinVar:

NM_017636.4(TRPM4):c.2258C>T (p.Ser753Leu)

Gene: TRPM4 (transient receptor potential cation channel subfamily M member 4; plus strand). Cytogenetic location: 19q13.33.
Variant type: single nucleotide variant.
Coding change: c.2258C>T on transcript NM_017636.4 (MANE Select); coding-DNA position 2258, C replaced by T.
Protein change: p.Ser753Leu; replaces serine 753 with leucine.
Molecular consequence: missense variant. On other transcripts: intron variant (1).
Genome position (GRCh38, 1-based): chr19:49,196,487, C>T. VCF-style: chr19-49196487-C-T. GRCh37 (hg19) VCF-style: chr19-49699744-C-T.
Other names: c.1913C>T, p.Ser638Leu (NM_001321281.2); c.650C>T, p.Ser217Leu (NM_001321282.2); c.1736C>T, p.Ser579Leu (NM_001321283.2); c.1196C>T, p.Ser399Leu (NM_001321285.2); c.2211-3813C>T (NM_001195227.2); short protein forms S217L, S638L, S399L, S579L, S753L.
Identifiers: ClinVar variation 3811052 (VCV003811052.1).

ClinVar aggregate classification (germline): Uncertain significance (1 of 4 stars; one submission).

Conditions:
Cardiovascular phenotype. Identifiers: MedGen CN230736.

gnomAD v4.1: 6 of 1,554,426 alleles (0.00039%); highest among the groups gnomAD compares: South Asian, 0.0047%; no homozygotes.

Submission:

Ambry Genetics
Classification: Uncertain significance for Cardiovascular phenotype. Last evaluated: 2025-02-23. Review status: criteria provided, single submitter. Criteria: Ambry Variant Classification Scheme 2023. Collection method: clinical testing. Allele origin: germline.
Comment: The p.S753L variant (also known as c.2258C>T), located in coding exon 17 of the TRPM4 gene, results from a C to T substitution at nucleotide position 2258. The serine at codon 753 is replaced by leucine, an amino acid with dissimilar properties. This amino acid position is conserved. In addition, this alteration is predicted to be tolerated by in silico analysis. Based on the available evidence, the clinical significance of this variant remains unclear.